The following is an entry in ClinVar:

NM_000179.3(MSH6):c.252C>T (p.Ala84=)

Genes: MSH6 (mutS homolog 6; plus strand), LOC129933707 (ATAC-STARR-seq lymphoblastoid silent region 11468; plus strand). Cytogenetic location: 2p16.3.
Variant type: single nucleotide variant.
Coding change: c.252C>T on transcript NM_000179.3 (MANE Select); coding-DNA position 252, C replaced by T.
Protein change: p.Ala84=; no amino-acid change (alanine 84 retained).
Molecular consequence: synonymous variant. On other transcripts: 5 prime UTR variant (1), intron variant (1).
Genome position (GRCh38, 1-based): chr2:47,783,485, C>T. VCF-style: chr2-47783485-C-T. GRCh37 (hg19) VCF-style: chr2-48010624-C-T.
Other names: c.-485C>T (NM_001281493.2); c.237+15C>T (NM_001281492.2).
Identifiers: ClinVar variation 701864 (VCV000701864.15), dbSNP rs1572698569, ClinGen allele CA426120879.
Genomic context (GRCh38, chr2:47,783,485, plus strand): 5'-GTCACCGCCCAAGGCGAAGAACCTCAACGGAGGGCTGCGGAGATCGGTAGCGCCTGCTGC[C>T]CCCACCAGGTAGCGGGGTGGGGGTGGGGTCGAAGGCGGGGGCATAGCGGCGGGGCGCTTG-3'
Protein context (NP_000170.1, residues 74-94): GGLRRSVAPA[Ala84=]PTSCDFSPGD

ClinVar aggregate classification (germline): Benign/Likely benign. Review status: criteria provided, multiple submitters, no conflicts (2 of 4 stars). 4 submissions from 4 submitters: Benign (1); Likely benign (3). Last evaluated 2025-05-27.

Conditions:
Hereditary nonpolyposis colorectal neoplasms. Identifiers: MedGen C0009405, MeSH D003123.
Lynch syndrome 5 (LYNCH5). Also called: Colorectal cancer, hereditary nonpolyposis, type 5; Hereditary non-polyposis colorectal cancer, type 5. Identifiers: Orphanet 144, MedGen C1833477, MONDO:0013710, OMIM 614350. Disease mechanism: loss of function.
Hereditary cancer-predisposing syndrome. Also called: Hereditary Cancer Syndrome; Tumor predisposition; Neoplastic Syndromes, Hereditary; Hereditary neoplastic syndrome. Identifiers: Orphanet 140162, MedGen C0027672, MeSH D009386, MONDO:0015356.

Allele frequency attached by ClinVar (database versions not stated): gnomAD exomes below 0.00001.
gnomAD v4.1: 3 of 1,431,530 alleles (0.00021%); highest among the groups gnomAD compares: Non-Finnish European, 0.00027%; no homozygotes.

Submissions (4):

Labcorp Genetics (formerly Invitae), Labcorp
Classification: Likely benign for Hereditary nonpolyposis colorectal neoplasms. Last evaluated: 2025-05-27. Review status: criteria provided, single submitter. Criteria: Invitae Variant Classification Sherloc (09022015). Collection method: clinical testing. Allele origin: germline.

Myriad Genetics, Inc.
Classification: Benign for Lynch syndrome 5. Last evaluated: 2024-12-17. Review status: criteria provided, single submitter. Criteria: Myriad Autosomal Dominant, Autosomal Recessive and X-Linked Classification Criteria (2023). Collection method: clinical testing. Allele origin: unknown.
Comment: This variant is considered benign. This variant is a silent/synonymous amino acid change and it is not expected to impact splicing.

Color Diagnostics, LLC DBA Color Health
Classification: Likely benign for Hereditary cancer-predisposing syndrome. Last evaluated: 2024-02-25. Review status: criteria provided, single submitter. Criteria: ACMG Guidelines, 2015. Collection method: clinical testing. Allele origin: germline.

Ambry Genetics
Classification: Likely benign for Hereditary cancer-predisposing syndrome. Last evaluated: 2019-03-11. Review status: criteria provided, single submitter. Criteria: Ambry Variant Classification Scheme 2023. Collection method: clinical testing. Allele origin: germline.